The following is an entry in ClinVar:

ClinVar aggregate classification (germline): Uncertain significance (1 of 4 stars; one submission).

gnomAD v4.1: 1 of 1,612,462 alleles (0.000062%); highest among the groups gnomAD compares: Admixed American, 0.0017%; no homozygotes.

Submission:

Labcorp Genetics (formerly Invitae), Labcorp
Classification: Uncertain significance. Last evaluated: 2025-12-13. Review status: criteria provided, single submitter. Criteria: Invitae Variant Classification Sherloc (09022015). Collection method: clinical testing. Allele origin: germline.
Comment: This sequence change replaces glycine, which is neutral and non-polar, with aspartic acid, which is acidic and polar, at codon 431 of the TRIM8 protein (p.Gly431Asp). This variant is not present in population databases (gnomAD no frequency). This variant has not been reported in the literature in individuals affected with TRIM8-related conditions. ClinVar contains an entry for this variant (Variation ID: 3700143). An algorithm developed to predict the effect of missense changes on protein structure and function (PolyPhen-2) suggests that this variant is likely to be disruptive. In summary, the available evidence is currently insufficient to determine the role of this variant in disease. Therefore, it has been classified as a Variant of Uncertain Significance.

NM_030912.3(TRIM8):c.1292G>A (p.Gly431Asp)

Gene: TRIM8 (tripartite motif containing 8; plus strand). Cytogenetic location: 10q24.32.
Variant type: single nucleotide variant.
Coding change: c.1292G>A on transcript NM_030912.3 (MANE Select); coding-DNA position 1292, G replaced by A.
Protein change: p.Gly431Asp; replaces glycine 431 with aspartic acid.
Molecular consequence: missense variant. On other transcripts: non-coding transcript variant (1).
Genome position (GRCh38, 1-based): chr10:102,656,990, G>A. VCF-style: chr10-102656990-G-A. GRCh37 (hg19) VCF-style: chr10-104416747-G-A.
Other names: c.1196G>A, p.Gly399Asp (NM_001345950.1); short protein forms G399D, G431D.
Identifiers: ClinVar variation 3700143 (VCV003700143.2).